The following is an entry in ClinVar:

NM_003611.3(OFD1):c.2679_2696del (p.Arg893_Gln898del)

Gene: OFD1 (OFD1 centriole and centriolar satellite protein; plus strand). Cytogenetic location: Xp22.2.
Variant type: Deletion.
Coding change: c.2679_2696del on transcript NM_003611.3 (MANE Select); coding-DNA positions 2679 to 2696, 18 bases deleted (AGAAGAAAGAAGGCAGAG).
Protein change: p.Arg893_Gln898del.
Molecular consequence: inframe deletion.
Genome position (GRCh38, 1-based): chrX:13,767,206-13,767,223, AGAAGAAAGAAGGCAGAG deleted; deleting any 18 consecutive bases within chrX:13,767,196-13,767,223 gives the same sequence; the c. name uses the placement nearest the transcript's 3' end. VCF-style (leftmost placement, unchanged base first): chrX-13767195-CGAAGGCAGAGAGAAGAAA-C. GRCh37 (hg19) VCF-style: chrX-13785314-CGAAGGCAGAGAGAAGAAA-C.
Other names: c.2559_2576del, p.Arg853_Gln858del (NM_001330209.2); c.2259_2276del, p.Arg753_Gln758del (NM_001330210.2).
Identifiers: ClinVar variation 1307804 (VCV001307804.2), dbSNP rs2048162248, ClinGen allele CA2573055119.

ClinVar aggregate classification (germline): Uncertain significance (1 of 4 stars; one submission).

Submission:

GeneDx
Classification: Uncertain significance. Last evaluated: 2020-11-02. Review status: criteria provided, single submitter. Criteria: GeneDx Variant Classification Process June 2021. Collection method: clinical testing. Allele origin: germline. Affected: yes.
Comment: Not observed in large population cohorts (Lek et al., 2016); In-frame deletion of 6 amino acids in a non-repeat region; In silico analysis supports a deleterious effect on protein structure/function; Has not been previously published as pathogenic or benign to our knowledge